The following is an entry in ClinVar:

NM_000108.5(DLD):c.543A>T (p.Ile181=)

Gene: DLD (dihydrolipoamide dehydrogenase; plus strand). Cytogenetic location: 7q31.1.
Variant type: single nucleotide variant.
Coding change: c.543A>T on transcript NM_000108.5 (MANE Select); coding-DNA position 543, A replaced by T.
Protein change: p.Ile181=; no amino-acid change (isoleucine 181 retained).
Molecular consequence: synonymous variant. On other transcripts: intron variant (1).
Genome position (GRCh38, 1-based): chr7:107,905,465, A>T. VCF-style: chr7-107905465-A-T. GRCh37 (hg19) VCF-style: chr7-107545910-A-T.
Other names: p.I181I:ATA>ATT; c.246A>T, p.Ile82= (NM_001289750.1); c.474A>T, p.Ile158= (NM_001289751.1); c.438+407A>T (NM_001289752.1).
Identifiers: ClinVar variation 137095 (VCV000137095.68), dbSNP rs61749952, ClinGen allele CA303053.

ClinVar aggregate classification (germline): Conflicting classifications of pathogenicity. Review status: criteria provided, conflicting classifications (1 of 4 stars). 15 submissions from 13 submitters: Uncertain significance (2); Benign (4); Likely benign (4). 5 of the submissions do not count toward it. Last evaluated 2026-09-01.

Conditions:
Pyruvate dehydrogenase complex deficiency (PDHC). Also called: Pyruvate Dehydrogenase Complex Deficiency Disease; PDH DEFICIENCY; PYRUVATE DECARBOXYLASE DEFICIENCY; Pyruvate dehydrogenase deficiency; Ataxia with lactic acidosis 1. Identifiers: Orphanet 765, Orphanet 79243, MedGen C0034345, MONDO:0019169.
Leigh syndrome (NULS). Also called: Leigh Syndrome (mtDNA deletion); Leigh's syndrome; Leigh's necrotizing encephalopathy; Leigh's disease; Leigh Disease; Subacute necrotizing encephalopathy. Identifiers: Orphanet 506, MedGen C2931891, MONDO:0009723, OMIM 256000.
Pyruvate dehydrogenase E3 deficiency (DLDD). Also called: Lipoamide dehydrogenase deficiency, lactic acidosis due to; Dihydrolipoamide Dehydrogenase Deficiency; Lipoamide dehydrogenase deficiency; MAPLE SYRUP URINE DISEASE, TYPE III; Dihydrolipoamide Dehydrogenase (E3) Deficiency; DLD DEFICIENCY. Identifiers: Orphanet 2394, Orphanet 765, MedGen C5574660, MONDO:0009529, OMIM 246900.

Allele frequency attached by ClinVar (database versions not stated): 1000 Genomes Project 0.00180; 1000 Genomes Project 30x 0.00219; ExAC 0.00334; gnomAD exomes 0.00356 and 0.00504; gnomAD 0.00446 and 0.00461; ESP Exome Variant Server 0.00477; TOPMed 0.00490.
gnomAD v4.1: 8,021 of 1,613,824 alleles (0.5%); highest among the groups gnomAD compares: Admixed American, 0.63%; 29 homozygotes.

Submissions (15):

CeGaT Center for Human Genetics Tuebingen
Classification: Likely benign. Last evaluated: 2026-09-01. Review status: criteria provided, single submitter. Criteria: CeGaT Center For Human Genetics Tuebingen Variant Classification Criteria Version 2. Collection method: clinical testing. Allele origin: germline. Affected: yes. Observed: 19 variant alleles.
Comment: DLD: BP4, BP7, BS2

Labcorp Genetics (formerly Invitae), Labcorp
Classification: Benign for Pyruvate dehydrogenase E3 deficiency. Last evaluated: 2026-02-04. Review status: criteria provided, single submitter. Criteria: Invitae Variant Classification Sherloc (09022015). Collection method: clinical testing. Allele origin: germline.

Blueprint Genetics
Classification: Likely benign. Last evaluated: 2024-11-27. Review status: criteria provided, single submitter. Criteria: ACMG Guidelines, 2015. Collection method: clinical testing. Allele origin: germline.

ARUP Laboratories, Molecular Genetics and Genomics, ARUP Laboratories
Classification: Benign for Pyruvate dehydrogenase E3 deficiency. Last evaluated: 2023-11-01. Review status: criteria provided, single submitter. Criteria: ARUP Molecular Germline Variant Investigation Process 2024. Collection method: clinical testing. Allele origin: germline.

Genome-Nilou Lab
Classification: Likely benign for Pyruvate dehydrogenase E3 deficiency. Last evaluated: 2021-05-18. Review status: criteria provided, single submitter. Criteria: ACMG Guidelines, 2015. Collection method: clinical testing. Allele origin: germline. Affected: no.

Illumina Laboratory Services, Illumina
Classification: Uncertain significance for Leigh syndrome. Last evaluated: 2018-01-12. Review status: criteria provided, single submitter. Criteria: ICSL Variant Classification Criteria 13 December 2019. Collection method: clinical testing. Allele origin: germline.

Illumina Laboratory Services, Illumina
Classification: Likely benign for Pyruvate dehydrogenase E3 deficiency. Last evaluated: 2018-01-12. Review status: criteria provided, single submitter. Criteria: ICSL Variant Classification Criteria 13 December 2019. Collection method: clinical testing. Allele origin: germline.
Comment: This variant was observed in the ICSL laboratory as part of a predisposition screen in an ostensibly healthy population. It had not been previously curated by ICSL or reported in the Human Gene Mutation Database (HGMD: prior to June 1st, 2018), and was therefore a candidate for classification through an automated scoring system. Utilizing variant allele frequency, disease prevalence and penetrance estimates, and inheritance mode, an automated score was calculated to assess if this variant is too frequent to cause the disease. Based on the score and internal cut-off values, a variant classified as likely benign is not then subjected to further curation. The score for this variant resulted in a classification of likely benign for this disease.

Illumina Laboratory Services, Illumina
Classification: Uncertain significance for Pyruvate dehydrogenase complex deficiency. Last evaluated: 2018-01-12. Review status: criteria provided, single submitter. Criteria: ICSL Variant Classification Criteria 13 December 2019. Collection method: clinical testing. Allele origin: germline.

Eurofins Ntd Llc (ga)
Classification: Benign. Last evaluated: 2015-02-10. Review status: criteria provided, single submitter. Criteria: EGL Classification Definitions 2015. Collection method: clinical testing. Allele origin: germline. Observed: 1 variant allele, 1 heterozygote.

GeneDx
Classification: Benign. Last evaluated: 2012-04-24. Review status: criteria provided, single submitter. Criteria: GeneDx Variant Classification (06012015). Collection method: clinical testing. Allele origin: germline. Affected: yes.
Comment: This variant is considered likely benign or benign based on one or more of the following criteria: it is a conservative change, it occurs at a poorly conserved position in the protein, it is predicted to be benign by multiple in silico algorithms, and/or has population frequency not consistent with disease.

Natera, Inc.
Classification: Benign for Maple syrup urine disease type 3. Last evaluated: 2020-09-16. Review status: no assertion criteria provided. Collection method: clinical testing. Allele origin: germline. Not counted in ClinVar's aggregate classification.

Mayo Clinic Laboratories, Mayo Clinic
Classification: Likely benign. Last evaluated: 2016-02-29. Review status: no assertion criteria provided. Collection method: clinical testing. Allele origin: unknown. Not counted in ClinVar's aggregate classification.

Clinical Genetics DNA and cytogenetics Diagnostics Lab, Erasmus MC, Erasmus Medical Center
Classification: Likely benign. Review status: no assertion criteria provided. Collection method: clinical testing. Allele origin: germline. Affected: yes. Study: VKGL Data-share Consensus. Not counted in ClinVar's aggregate classification.

Clinical Genetics, Academic Medical Center
Classification: Likely benign. Review status: no assertion criteria provided. Collection method: clinical testing. Allele origin: germline. Affected: yes. Study: VKGL Data-share Consensus. Not counted in ClinVar's aggregate classification.

Genome Diagnostics Laboratory, University Medical Center Utrecht
Classification: Likely benign. Review status: no assertion criteria provided. Collection method: clinical testing. Allele origin: germline. Affected: yes. Study: VKGL Data-share Consensus. Not counted in ClinVar's aggregate classification.